The following is an entry in ClinVar:

NM_001165963.4(SCN1A):c.3812G>A (p.Trp1271Ter)

Genes: SCN1A (sodium voltage-gated channel alpha subunit 1; minus strand), LOC102724058 (uncharacterized LOC102724058; plus strand). Cytogenetic location: 2q24.3.
Variant type: single nucleotide variant.
Coding change: c.3812G>A on transcript NM_001165963.4 (MANE Select); coding-DNA position 3812, G replaced by A.
Protein change: p.Trp1271Ter; replaces tryptophan 1271 with a stop codon.
Molecular consequence: nonsense. On other transcripts: non-coding transcript variant (1).
Genome position (GRCh38, 1-based): chr2:166,012,176, C>T on the plus strand (G>A on the coding strand, the complement: SCN1A is on the minus strand). VCF-style: chr2-166012176-C-T. GRCh37 (hg19) VCF-style: chr2-166868686-C-T.
Other names: c.3728G>A, p.Trp1243Ter (NM_001165964.3, NM_001353957.2, NM_001353958.2); c.3812G>A, p.Trp1271Ter (NM_001202435.3, NM_001353948.2); c.3779G>A, p.Trp1260Ter (NM_001353949.2, NM_001353950.2, NM_001353951.2 and 2 more transcripts); c.3776G>A, p.Trp1259Ter (NM_001353954.2, NM_001353955.2); c.3725G>A, p.Trp1242Ter (NM_001353960.2); c.1370G>A, p.Trp457Ter (NM_001353961.2); short protein forms W457*, W1242*, W1243*, W1259*, W1260*, W1271*.
Identifiers: ClinVar variation 659624 (VCV000659624.9), dbSNP rs1574051496, ClinGen allele CA349054251.
Genomic context (GRCh38, chr2:166,012,176, plus strand): 5'-ATTAAGAAGTCCAGCCAACACCAGGCATTGGTGAAATATGTTTGATAGCCATATGCCACC[C>T]ATTTTAGAAGCATTTCCAGAATGAAAATGTAAGTGAAAACCTTGTCAGCATATTCCAACA-3'

ClinVar aggregate classification (germline): Pathogenic (1 of 4 stars; one submission).

Conditions:
Early-infantile DEE. Also called: Early infantile epileptic encephalopathy; Ohtahara syndrome; Early infantile epileptic encephalopathy with suppression bursts. Identifiers: Orphanet 1934, MedGen C0393706, MONDO:0800491.

Submission:

Labcorp Genetics (formerly Invitae), Labcorp
Classification: Pathogenic for Early-infantile DEE. Last evaluated: 2022-06-14. Review status: criteria provided, single submitter. Criteria: Invitae Variant Classification Sherloc (09022015). Collection method: clinical testing. Allele origin: germline.
Comment: This sequence change creates a premature translational stop signal (p.Trp1271*) in the SCN1A gene. It is expected to result in an absent or disrupted protein product. Loss-of-function variants in SCN1A are known to be pathogenic (PMID: 17347258, 18930999). This variant is not present in population databases (gnomAD no frequency). For these reasons, this variant has been classified as Pathogenic. Algorithms developed to predict the effect of sequence changes on RNA splicing suggest that this variant may create or strengthen a splice site. ClinVar contains an entry for this variant (Variation ID: 659624). This premature translational stop signal has been observed in individual(s) with Dravet syndrome (PMID: 12083760, 18076640).

Literature cited by the submitters: PubMed 17347258; PubMed 18930999; PubMed 12083760; PubMed 18076640.